The following is an entry in ClinVar:

ClinVar aggregate classification (germline): Uncertain significance (1 of 4 stars; one submission).

Conditions:
Fanconi anemia (FA). Also called: Fanconi's anemia. Identifiers: Orphanet 84, MedGen C0015625, MeSH D005199, MONDO:0019391.

Allele frequency attached by ClinVar (database versions not stated): gnomAD exomes below 0.00001.
gnomAD v4.1: 1 of 1,613,804 alleles (0.000062%); highest among the groups gnomAD compares: Non-Finnish European, 0.000085%; no homozygotes.

Submission:

Labcorp Genetics (formerly Invitae), Labcorp
Classification: Uncertain significance for Fanconi anemia. Last evaluated: 2020-08-21. Review status: criteria provided, single submitter. Criteria: Invitae Variant Classification Sherloc (09022015). Collection method: clinical testing. Allele origin: germline.
Comment: This sequence change replaces glutamic acid with lysine at codon 532 of the SLX4 protein (p.Glu532Lys). The glutamic acid residue is moderately conserved and there is a small physicochemical difference between glutamic acid and lysine. This variant is not present in population databases (ExAC no frequency). This variant has not been reported in the literature in individuals with SLX4-related conditions. Algorithms developed to predict the effect of missense changes on protein structure and function output the following: SIFT: "Tolerated"; PolyPhen-2: "Possibly Damaging"; Align-GVGD: "Class C0". The lysine amino acid residue is found in multiple mammalian species, suggesting that this missense change does not adversely affect protein function. These predictions have not been confirmed by published functional studies and their clinical significance is uncertain. In summary, the available evidence is currently insufficient to determine the role of this variant in disease. Therefore, it has been classified as a Variant of Uncertain Significance.

NM_032444.4(SLX4):c.1594G>A (p.Glu532Lys)

Gene: SLX4 (SLX4 structure-specific endonuclease subunit; minus strand). Cytogenetic location: 16p13.3.
Variant type: single nucleotide variant.
Coding change: c.1594G>A on transcript NM_032444.4 (MANE Select); coding-DNA position 1594, G replaced by A.
Protein change: p.Glu532Lys; replaces glutamic acid 532 with lysine.
Molecular consequence: missense variant.
Genome position (GRCh38, 1-based): chr16:3,597,468, C>T on the plus strand (G>A on the coding strand, the complement: SLX4 is on the minus strand). VCF-style: chr16-3597468-C-T. GRCh37 (hg19) VCF-style: chr16-3647469-C-T.
Other names: short protein forms E532K.
Identifiers: ClinVar variation 1046715 (VCV001046715.8), dbSNP rs2040675047, ClinGen allele CA394528742.
Genomic context (GRCh38, chr16:3,597,468, plus strand): 5'-GGACCAGCCTGGCCGTGTAGAAGTCCTCCATGGCCCAGGCCCCAGTCAGTGCGCTGCCCT[C>T]CCACAGAAAGCTCTGCTTGCGTTCAGGTGGAGGAGGACACTGGCCCGCTCTTTCCCACCC-3'
Protein context (NP_115820.2, residues 522-542): PPERKQSFLW[Glu532Lys]GSALTGAWAM